The following is an entry in ClinVar:

NM_004360.5(CDH1):c.1697T>C (p.Ile566Thr)

Gene: CDH1 (cadherin 1; plus strand). Cytogenetic location: 16q22.1.
Variant type: single nucleotide variant.
Coding change: c.1697T>C on transcript NM_004360.5 (MANE Select); coding-DNA position 1697, T replaced by C.
Protein change: p.Ile566Thr; replaces isoleucine 566 with threonine.
Molecular consequence: missense variant. On other transcripts: intron variant (1).
Genome position (GRCh38, 1-based): chr16:68,819,411, T>C. VCF-style: chr16-68819411-T-C. GRCh37 (hg19) VCF-style: chr16-68853314-T-C.
Other names: c.1697T>C (LRG_301t1); c.1514T>C, p.Ile505Thr (NM_001317184.2); c.149T>C, p.Ile50Thr (NM_001317185.2); c.-254-2590T>C (NM_001317186.2); short protein forms I566T, I50T, I505T.
Identifiers: ClinVar variation 185204 (VCV000185204.28), dbSNP rs763292288, ClinGen allele CA191303.

ClinVar aggregate classification (germline): Conflicting classifications of pathogenicity. Review status: criteria provided, conflicting classifications (1 of 4 stars). 7 submissions from 7 submitters: Uncertain significance (5); Likely benign (1). 1 of the submissions does not count toward it. Last evaluated 2025-10-13.

Conditions:
Hereditary cancer-predisposing syndrome. Also called: Tumor predisposition; Hereditary Cancer Syndrome; Hereditary neoplastic syndrome; Neoplastic Syndromes, Hereditary. Identifiers: Orphanet 140162, MedGen C0027672, MeSH D009386, MONDO:0015356.
Hereditary diffuse gastric adenocarcinoma (HDGC). Also called: DIFFUSE GASTRIC AND LOBULAR BREAST CANCER SYNDROME. Identifiers: Orphanet 26106, MedGen C1708349, MONDO:0007648, OMIM 137215.

Allele frequency attached by ClinVar (database versions not stated): gnomAD exomes 0.00001 and 0.00002; TOPMed 0.00001; ExAC 0.00003.
gnomAD v4.1: 17 of 1,613,588 alleles (0.0011%); highest among the groups gnomAD compares: Non-Finnish European, 0.0014%; no homozygotes.

Submissions (7):

Labcorp Genetics (formerly Invitae), Labcorp
Classification: Uncertain significance for Hereditary diffuse gastric adenocarcinoma. Last evaluated: 2025-10-13. Review status: criteria provided, single submitter. Criteria: Invitae Variant Classification Sherloc (09022015). Collection method: clinical testing. Allele origin: germline.
Comment: This sequence change replaces isoleucine, which is neutral and non-polar, with threonine, which is neutral and polar, at codon 566 of the CDH1 protein (p.Ile566Thr). This variant is present in population databases (rs763292288, gnomAD 0.004%). This variant has not been reported in the literature in individuals affected with CDH1-related conditions. ClinVar contains an entry for this variant (Variation ID: 185204). An algorithm developed to predict the effect of missense changes on protein structure and function (PolyPhen-2) suggests that this variant is likely to be tolerated. In summary, the available evidence is currently insufficient to determine the role of this variant in disease. Therefore, it has been classified as a Variant of Uncertain Significance.

Color Diagnostics, LLC DBA Color Health
Classification: Uncertain significance for Hereditary cancer-predisposing syndrome. Last evaluated: 2024-10-25. Review status: criteria provided, single submitter. Criteria: ACMG Guidelines, 2015. Collection method: clinical testing. Allele origin: germline.
Comment: This missense variant replaces isoleucine with threonine at codon 566 of the CDH1 protein. To our knowledge, functional studies have not been reported for this variant. This variant has been reported in an individual affected with triple negative breast cancer in the literature (Lovejoy LA et al. 2018, ISSN : 2381-909X). This variant has been identified in 5/251484 chromosomes in the general population by the Genome Aggregation Database (gnomAD). The available evidence is insufficient to determine the role of this variant in disease conclusively. Therefore, this variant is classified as a Variant of Uncertain Significance.

Women's Health and Genetics/Laboratory Corporation of America, LabCorp
Classification: Uncertain significance. Last evaluated: 2024-07-01. Review status: criteria provided, single submitter. Criteria: LabCorp Variant Classification Summary - May 2015. Collection method: clinical testing. Allele origin: germline.
Comment: Variant summary: CDH1 c.1697T>C (p.Ile566Thr) results in a non-conservative amino acid change located in the Cadherin-like domain (IPR002126) of the encoded protein sequence. Three of five in-silico tools predict a benign effect of the variant on protein function. The variant allele was found at a frequency of 1.1e-05 in 1613588 control chromosomes, predominantly at a frequency of 1.4e-05 within the Non-Finnish European subpopulation in the gnomAD database (gnomAD v.4.1.0). This frequency is not significantly higher than estimated for a pathogenic variant in CDH1 causing Breast Cancer (1.1e-05 vs 2.1e-05), allowing no conclusion about variant significance. c.1697T>C has been reported in the literature in at least an individual affected with endometrial and ovarian cancer (example: Na Kim_2022). These report(s) do not provide unequivocal conclusions about association of the variant with breast cancer. To our knowledge, no experimental evidence demonstrating an impact on protein function has been reported. The following publication has been ascertained in the context of this evaluation (PMID: 35884469). ClinVar contains an entry for this variant (Variation ID: 185204). Based on the evidence outlined above, the variant was classified as uncertain significance.

Myriad Genetics, Inc.
Classification: Uncertain significance for Hereditary diffuse gastric adenocarcinoma. Last evaluated: 2023-03-03. Review status: criteria provided, single submitter. Criteria: Myriad Autosomal Dominant, Autosomal Recessive and X-Linked Classification Criteria (2023). Collection method: clinical testing. Allele origin: unknown.
Comment: This variant is classified as a variant of uncertain significance as there is insufficient evidence to determine its impact on protein function and/or cancer risk.

GeneDx
Classification: Uncertain significance. Last evaluated: 2021-12-01. Review status: criteria provided, single submitter. Criteria: GeneDx Variant Classification Process June 2021. Collection method: clinical testing. Allele origin: germline. Affected: yes.
Comment: Not observed at significant frequency in large population cohorts (Lek 2016); In silico analysis supports that this missense variant has a deleterious effect on protein structure/function; Observed in individuals with breast cancer (Lovejoy 2018); This variant is associated with the following publications: (PMID: 15235021, 22850631)

Ambry Genetics
Classification: Likely benign for Hereditary cancer-predisposing syndrome. Last evaluated: 2020-10-02. Review status: criteria provided, single submitter. Criteria: Ambry Variant Classification Scheme 2023. Collection method: clinical testing. Allele origin: germline.

Counsyl
Classification: Uncertain significance for Hereditary diffuse gastric adenocarcinoma. Last evaluated: 2016-10-26. Review status: no assertion criteria provided. Collection method: clinical testing. Allele origin: unknown. Not counted in ClinVar's aggregate classification.

Literature cited by the submitters: PubMed 35884469 (cited by Women's Health and Genetics/Laboratory Corporation of America, LabCorp).